The following is an entry in ClinVar:

ClinVar aggregate classification (germline): Uncertain significance. Review status: criteria provided, multiple submitters, no conflicts (2 of 4 stars). 2 submissions from 2 submitters: Uncertain significance (2). Last evaluated 2023-10-27.

Conditions:
Hereditary cancer-predisposing syndrome. Also called: Tumor predisposition; Hereditary Cancer Syndrome; Hereditary neoplastic syndrome; Neoplastic Syndromes, Hereditary. Identifiers: Orphanet 140162, MedGen C0027672, MeSH D009386, MONDO:0015356.
Neurofibromatosis, type 1 (NF1). Also called: VON RECKLINGHAUSEN DISEASE; NEUROFIBROMATOSIS, TYPE I, SOMATIC; Peripheral type neurofibromatosis; Neurofibromatosis, type I. Identifiers: Orphanet 636, MedGen C0027831, MONDO:0018975, OMIM 162200. Disease mechanism: loss of function.

Submissions (2):

Labcorp Genetics (formerly Invitae), Labcorp
Classification: Uncertain significance for Neurofibromatosis, type 1. Last evaluated: 2023-10-27. Review status: criteria provided, single submitter. Criteria: Invitae Variant Classification Sherloc (09022015). Collection method: clinical testing. Allele origin: germline.
Comment: This sequence change replaces valine, which is neutral and non-polar, with alanine, which is neutral and non-polar, at codon 1588 of the NF1 protein (p.Val1588Ala). This variant is not present in population databases (gnomAD no frequency). This variant has not been reported in the literature in individuals affected with NF1-related conditions. ClinVar contains an entry for this variant (Variation ID: 233275). Advanced modeling of protein sequence and biophysical properties (such as structural, functional, and spatial information, amino acid conservation, physicochemical variation, residue mobility, and thermodynamic stability) has been performed at Invitae for this missense variant, however the output from this modeling did not meet the statistical confidence thresholds required to predict the impact of this variant on NF1 protein function. In summary, the available evidence is currently insufficient to determine the role of this variant in disease. Therefore, it has been classified as a Variant of Uncertain Significance.

Ambry Genetics
Classification: Uncertain significance for Hereditary cancer-predisposing syndrome. Last evaluated: 2015-08-09. Review status: criteria provided, single submitter. Criteria: Ambry Autosomal Dominant and X-Linked criteria (10/2015). Collection method: clinical testing. Allele origin: germline. Observed: 1 variant allele.
Comment: The p.V1609A variant (also known as c.4826T>C), located in coding exon 36 of the NF1 gene, results from a T to C substitution at nucleotide position 4826. The valine at codon 1609 is replaced by alanine, an amino acid with similar properties. This variant was not reported in population based cohorts in the following databases: Database of Single Nucleotide Polymorphisms (dbSNP), NHLBI Exome Sequencing Project (ESP), and 1000 Genomes Project. In the ESP, this variant was not observed in 6499 samples (12998 alleles) with coverage at this position. To date, this alteration has been detected with an allele frequency of approximately 0.002% (greater than 55,000alleles tested) in our clinical cohort.This amino acid position is not well conserved in available vertebrate species. In addition, the in silico prediction for this alteration is inconclusive.<span style="font-family:arial,sans-serif; font-size:9pt">Since supporting evidence is limited at this time, the clinical significance of p.V1609A<span style="font-family:arial,sans-serif; font-size:9pt"> remains unclear.

NM_001042492.3(NF1):c.4826T>C (p.Val1609Ala)

Gene: NF1 (neurofibromin 1; plus strand). Cytogenetic location: 17q11.2.
Variant type: single nucleotide variant.
Coding change: c.4826T>C on transcript NM_001042492.3 (MANE Select); coding-DNA position 4826, T replaced by C.
Protein change: p.Val1609Ala; replaces valine 1609 with alanine.
Molecular consequence: missense variant.
Genome position (GRCh38, 1-based): chr17:31,265,330, T>C. VCF-style: chr17-31265330-T-C. GRCh37 (hg19) VCF-style: chr17-29592348-T-C.
Other names: c.4763T>C, p.Val1588Ala (NM_000267.4); short protein forms V1588A, V1609A.
Identifiers: ClinVar variation 233275 (VCV000233275.6), dbSNP rs876660303, ClinGen allele CA10580328.